The following is an entry in ClinVar:

NM_014804.3(KIAA0753):c.2244G>A (p.Glu748=)

Gene: KIAA0753 (KIAA0753; minus strand). Cytogenetic location: 17p13.1.
Variant type: single nucleotide variant.
Coding change: c.2244G>A on transcript NM_014804.3 (MANE Select); coding-DNA position 2244, G replaced by A.
Protein change: p.Glu748=; no amino-acid change (glutamic acid 748 retained).
Molecular consequence: synonymous variant. On other transcripts: non-coding transcript variant (3).
Genome position (GRCh38, 1-based): chr17:6,596,272, C>T on the plus strand (G>A on the coding strand, the complement: KIAA0753 is on the minus strand). VCF-style: chr17-6596272-C-T. GRCh37 (hg19) VCF-style: chr17-6499592-C-T.
Other names: c.1347G>A, p.Glu449= (NM_001351225.2).
Identifiers: ClinVar variation 1626198 (VCV001626198.32), dbSNP rs370508362, ClinGen allele CA8330211.

ClinVar aggregate classification (germline): Likely benign. Review status: criteria provided, multiple submitters, no conflicts (2 of 4 stars). 3 submissions from 3 submitters: Likely benign (3). Last evaluated 2024-09-30.

Allele frequency attached by ClinVar (database versions not stated): TOPMed 0.00002; gnomAD 0.00004; gnomAD exomes 0.00009 and 0.00010; ExAC 0.00016; ESP Exome Variant Server 0.00016.
gnomAD v4.1: 135 of 1,613,474 alleles (0.0084%); highest among the groups gnomAD compares: Non-Finnish European, 0.0086%; 1 homozygote.

Submissions (3):

Blueprint Genetics
Classification: Likely benign. Last evaluated: 2024-09-30. Review status: criteria provided, single submitter. Criteria: ACMG Guidelines, 2015. Collection method: clinical testing. Allele origin: germline.

Labcorp Genetics (formerly Invitae), Labcorp
Classification: Likely benign. Last evaluated: 2024-03-16. Review status: criteria provided, single submitter. Criteria: Invitae Variant Classification Sherloc (09022015). Collection method: clinical testing. Allele origin: germline.

CeGaT Center for Human Genetics Tuebingen
Classification: Likely benign. Last evaluated: 2023-11-01. Review status: criteria provided, single submitter. Criteria: CeGaT Center For Human Genetics Tuebingen Variant Classification Criteria Version 2. Collection method: clinical testing. Allele origin: germline. Affected: yes. Observed: 1 variant allele.
Comment: KIAA0753: BP4, BP7